The following is an entry in ClinVar:

NM_002246.3(KCNK3):c.794C>T (p.Thr265Met)

Gene: KCNK3 (potassium two pore domain channel subfamily K member 3; plus strand). Cytogenetic location: 2p23.3.
Variant type: single nucleotide variant.
Coding change: c.794C>T on transcript NM_002246.3 (MANE Select); coding-DNA position 794, C replaced by T.
Protein change: p.Thr265Met; replaces threonine 265 with methionine.
Molecular consequence: missense variant.
Genome position (GRCh38, 1-based): chr2:26,728,177, C>T. VCF-style: chr2-26728177-C-T. GRCh37 (hg19) VCF-style: chr2-26951045-C-T.
Other names: short protein forms T265M.
Identifiers: ClinVar variation 4746604 (VCV004746604.1).

ClinVar aggregate classification (germline): Uncertain significance (1 of 4 stars; one submission).

Conditions:
Pulmonary hypertension, primary, 4. Identifiers: Orphanet 422, MedGen C3809198, MONDO:0014136, OMIM 615344.

Submission:

Labcorp Genetics (formerly Invitae), Labcorp
Classification: Uncertain significance for Pulmonary hypertension, primary, 4. Last evaluated: 2025-12-19. Review status: criteria provided, single submitter. Criteria: Invitae Variant Classification Sherloc (09022015). Collection method: clinical testing. Allele origin: germline.
Comment: This sequence change replaces threonine, which is neutral and polar, with methionine, which is neutral and non-polar, at codon 265 of the KCNK3 protein (p.Thr265Met). This variant is not present in population databases (gnomAD no frequency). This variant has not been reported in the literature in individuals affected with KCNK3-related conditions. Invitae Evidence Modeling of protein sequence and biophysical properties (such as structural, functional, and spatial information, amino acid conservation, physicochemical variation, residue mobility, and thermodynamic stability) indicates that this missense variant is not expected to disrupt KCNK3 protein function with a negative predictive value of 80%. In summary, the available evidence is currently insufficient to determine the role of this variant in disease. Therefore, it has been classified as a Variant of Uncertain Significance.